The following is an entry in ClinVar:

ClinVar aggregate classification (germline): Likely benign (0 of 4 stars; one submission).

Conditions:
KANK1-related disorder. Also called: KANK1-related condition.

Allele frequency attached by ClinVar (database versions not stated): gnomAD exomes below 0.00001.
gnomAD v4.1: 3 of 1,614,132 alleles (0.00019%); highest among the groups gnomAD compares: East Asian, 0.0022%; no homozygotes.

Submissions (3):

PreventionGenetics, part of Exact Sciences
Classification: Likely benign for KANK1-related condition. Last evaluated: 2022-12-19. Review status: no assertion criteria provided. Collection method: clinical testing. Allele origin: germline.
Comment: This variant is classified as likely benign based on ACMG/AMP sequence variant interpretation guidelines (Richards et al. 2015 PMID: 25741868, with internal and published modifications).

Dr. Peter K. Rogan Lab, Western University
No classification provided (evidence only). Condition: Uterine corpus endometrial carcinoma. Review status: no classification provided. Collection method: in vitro. Allele origin: not applicable. Functional consequence: retained intron. Not counted in ClinVar's aggregate classification.

Dr. Peter K. Rogan Lab, Western University
No classification provided (evidence only). Condition: Uterine corpus endometrial carcinoma. Review status: no classification provided. Collection method: in vitro. Allele origin: not applicable. Functional consequence: retained intron. Not counted in ClinVar's aggregate classification.

NM_015158.5(KANK1):c.3507C>T (p.Ser1169=)

Genes: KANK1 (KN motif and ankyrin repeat domains 1; plus strand), LOC126860554 (MED14-independent group 3 enhancer GRCh37_chr9:737889-739088; plus strand). Cytogenetic location: 9p24.3.
Variant type: single nucleotide variant.
Coding change: c.3507C>T on transcript NM_015158.5 (MANE Select); coding-DNA position 3507, C replaced by T.
Protein change: p.Ser1169=; no amino-acid change (serine 1169 retained).
Molecular consequence: synonymous variant. On other transcripts: non-coding transcript variant (1).
Genome position (GRCh38, 1-based): chr9:738,458, C>T. VCF-style: chr9-738458-C-T. GRCh37 (hg19) VCF-style: chr9-738458-C-T.
Other names: NC_000009.11:g.738458C>T; c.3507C>T, p.Ser1169= (NM_001256876.3, NM_001256877.3, NM_001354334.2); c.3267C>T, p.Ser1089= (NM_001354331.2); c.3453C>T, p.Ser1151= (NM_001354332.2); c.3033C>T, p.Ser1011= (NM_001354333.2, NM_001354335.2, NM_001354337.2 and 2 more transcripts); c.2739C>T, p.Ser913= (NM_001354336.2); c.2979C>T, p.Ser993= (NM_001354338.2, NM_001354340.2, NM_001354344.2); c.2793C>T, p.Ser931= (NM_001354339.2, NM_001354342.2, NM_001354343.2).
Identifiers: ClinVar variation 3049818 (VCV003049818.3), dbSNP rs1261505374, ClinGen allele CA463850718.